The following is an entry in ClinVar:

ClinVar aggregate classification (germline): Benign (0 of 4 stars; one submission).

Conditions:
ALPK2-related disorder. Also called: ALPK2-related condition.

Allele frequency attached by ClinVar (database versions not stated): ExAC 0.00201; 1000 Genomes Project 0.00539; gnomAD 0.00629; 1000 Genomes Project 30x 0.00640; TOPMed 0.00683; ESP Exome Variant Server 0.00707.
gnomAD v4.1: 1,802 of 1,614,186 alleles (0.11%); highest among the groups gnomAD compares: African/African-American, 2.2%; 24 homozygotes.

Submission:

PreventionGenetics, part of Exact Sciences
Classification: Benign for ALPK2-related condition. Last evaluated: 2019-06-04. Review status: no assertion criteria provided. Collection method: clinical testing. Allele origin: germline.
Comment: This variant is classified as benign based on ACMG/AMP sequence variant interpretation guidelines (Richards et al. 2015 PMID: 25741868, with internal and published modifications).

NM_052947.4(ALPK2):c.2932T>C (p.Tyr978His)

Gene: ALPK2 (alpha kinase 2; minus strand). Cytogenetic location: 18q21.31.
Variant type: single nucleotide variant.
Coding change: c.2932T>C on transcript NM_052947.4 (MANE Select); coding-DNA position 2932, T replaced by C.
Protein change: p.Tyr978His; replaces tyrosine 978 with histidine.
Molecular consequence: missense variant.
Genome position (GRCh38, 1-based): chr18:58,537,255, A>G on the plus strand (T>C on the coding strand, the complement: ALPK2 is on the minus strand). VCF-style: chr18-58537255-A-G. GRCh37 (hg19) VCF-style: chr18-56204487-A-G.
Other names: short protein forms Y978H.
Identifiers: ClinVar variation 3056413 (VCV003056413.2), dbSNP rs61741045, ClinGen allele CA8976987.
Genomic context (GRCh38, chr18:58,537,255, plus strand): 5'-ACTCATTATTAGCAGTTAATGTTGTTGGCTTCTCCCAAGGAAAACTCACAATTGAACTAT[A>G]ACTGGCTGGTGTGGCTGTGGTGTCTGCGGCACTAGGACTGGGGCTCTTGTCACCTCCTTC-3'
Protein context (NP_443179.3, residues 968-988): AADTTATPAS[Tyr978His]SSIVSFPWEK